The following is an entry in ClinVar:

NM_000540.3(RYR1):c.14126C>G (p.Thr4709Arg)

Gene: RYR1 (ryanodine receptor 1; plus strand). Cytogenetic location: 19q13.2.
Variant type: single nucleotide variant.
Coding change: c.14126C>G on transcript NM_000540.3 (MANE Select); coding-DNA position 14126, C replaced by G.
Protein change: p.Thr4709Arg; replaces threonine 4709 with arginine.
Molecular consequence: missense variant.
Genome position (GRCh38, 1-based): chr19:38,573,304, C>G. VCF-style: chr19-38573304-C-G. GRCh37 (hg19) VCF-style: chr19-39063944-C-G.
Other names: c.14111C>G, p.Thr4704Arg (NM_001042723.2); short protein forms T4704R, T4709R.
Identifiers: ClinVar variation 2132034 (VCV002132034.4), dbSNP rs118192140, ClinGen allele CA405682643.
Genomic context (GRCh38, chr19:38,573,304, plus strand): 5'-TCACGGAGCAGCCTGAGGACGATGACGTGAAGGGGCAGTGGGACCGACTGGTGCTCAACA[C>G]GCCGTAAGGACCCAGCCCCCACCTCAGGGTGGCAGCAGGAGGGGACCTGGGTTTCCACCC-3'
Protein context (NP_000531.2, residues 4699-4719): KGQWDRLVLN[Thr4709Arg]PSFPSNYWDK

ClinVar aggregate classification (germline): Likely pathogenic (1 of 4 stars; one submission).

Conditions:
RYR1-related disorder. Also called: RYR1-related condition; RYR1-related disorders. Identifiers: MedGen CN239331.

Submission:

Labcorp Genetics (formerly Invitae), Labcorp
Classification: Likely pathogenic for RYR1-related disorder. Last evaluated: 2022-09-23. Review status: criteria provided, single submitter. Criteria: Invitae Variant Classification Sherloc (09022015). Collection method: clinical testing. Allele origin: germline.
Comment: In summary, the currently available evidence indicates that the variant is pathogenic, but additional data are needed to prove that conclusively. Therefore, this variant has been classified as Likely Pathogenic. This variant disrupts the p.Thr4709 amino acid residue in RYR1. Other variant(s) that disrupt this residue have been determined to be pathogenic (PMID: 17483490, 23919265, 31055738; Invitae). This suggests that this residue is clinically significant, and that variants that disrupt this residue are likely to be disease-causing. Advanced modeling of protein sequence and biophysical properties (such as structural, functional, and spatial information, amino acid conservation, physicochemical variation, residue mobility, and thermodynamic stability) performed at Invitae indicates that this missense variant is expected to disrupt RYR1 protein function. This variant has not been reported in the literature in individuals affected with RYR1-related conditions. This variant is not present in population databases (gnomAD no frequency). This sequence change replaces threonine, which is neutral and polar, with arginine, which is basic and polar, at codon 4709 of the RYR1 protein (p.Thr4709Arg).

Literature cited by the submitters: PubMed 17483490; PubMed 23919265; PubMed 31055738.